The following is an entry in ClinVar:

ClinVar aggregate classification (germline): Uncertain significance (1 of 4 stars; one submission).

Conditions:
Early-onset Parkinson disease 20. Also called: PARKINSON DISEASE 20, AUTOSOMAL RECESSIVE EARLY-ONSET. Identifiers: Orphanet 391411, MedGen C3809824, MONDO:0014233, OMIM 615530.
Developmental and epileptic encephalopathy, 53. Also called: Epileptic encephalopathy, early infantile, 53. Identifiers: MedGen C4479313, MONDO:0033362, OMIM 617389.

Allele frequency attached by ClinVar (database versions not stated): ExAC 0.00001; gnomAD exomes 0.00001; TOPMed 0.00004.
gnomAD v4.1: 4 of 1,614,228 alleles (0.00025%); highest among the groups gnomAD compares: Admixed American, 0.0067%; no homozygotes.

Submission:

Labcorp Genetics (formerly Invitae), Labcorp
Classification: Uncertain significance for Developmental and epileptic encephalopathy, 53; Early-onset Parkinson disease 20. Last evaluated: 2022-07-25. Review status: criteria provided, single submitter. Criteria: Invitae Variant Classification Sherloc (09022015). Collection method: clinical testing. Allele origin: germline.
Comment: This sequence change replaces proline, which is neutral and non-polar, with serine, which is neutral and polar, at codon 1385 of the SYNJ1 protein (p.Pro1385Ser). This variant is present in population databases (rs770180376, gnomAD 0.006%). This variant has not been reported in the literature in individuals affected with SYNJ1-related conditions. ClinVar contains an entry for this variant (Variation ID: 939861). Algorithms developed to predict the effect of missense changes on protein structure and function output the following: SIFT: "Tolerated"; PolyPhen-2: "Benign"; Align-GVGD: "Class C0". The serine amino acid residue is found in multiple mammalian species, which suggests that this missense change does not adversely affect protein function. In summary, the available evidence is currently insufficient to determine the role of this variant in disease. Therefore, it has been classified as a Variant of Uncertain Significance.

NM_203446.3(SYNJ1):c.*124C>T

Gene: SYNJ1 (synaptojanin 1; minus strand). Cytogenetic location: 21q22.11.
Variant type: single nucleotide variant.
Coding change: c.*124C>T on transcript NM_203446.3 (MANE Select); 124 bases downstream of the stop codon, C replaced by T.
Molecular consequence: 3 prime UTR variant. On other transcripts: missense variant (2).
Genome position (GRCh38, 1-based): chr21:32,631,681, G>A on the plus strand (C>T on the coding strand, the complement: SYNJ1 is on the minus strand). VCF-style: chr21-32631681-G-A. GRCh37 (hg19) VCF-style: chr21-34003991-G-A.
Other names: c.*124C>T (NM_001160302.2); c.3895C>T, p.Pro1299Ser (NM_001160306.2); c.4153C>T, p.Pro1385Ser (NM_003895.4); short protein forms P1385S, P1299S.
Identifiers: ClinVar variation 939861 (VCV000939861.7), dbSNP rs770180376, ClinGen allele CA10003172.
Genomic context (GRCh38, chr21:32,631,681, plus strand): 5'-CATTACTTTGCGTTGCAGAAGGCAACTGAATCAACCTCTTTGGGTCTGGGGTGGGAACAG[G>A]TGACGTTTGAACAGATAGCTGAGCCTTTGATACAGCAAGCAGATTAAATGACAGATCTTC-3'